The following is an entry in ClinVar:

ClinVar aggregate classification (germline): Conflicting classifications of pathogenicity. Review status: criteria provided, conflicting classifications (1 of 4 stars). 9 submissions from 9 submitters: Uncertain significance (1); Benign (2); Likely benign (4). 2 of the submissions do not count toward it. Last evaluated 2026-01-26.

Conditions:
LPL-related disorder. Also called: LPL-related condition.
Hyperlipoproteinemia, type I. Also called: Familial hyperlipo-proteinemia type 1; Hyperlipemia essential familial; Lipoprotein Lipase Deficiency; Lipase D deficiency; HYPERLIPOPROTEINEMIA, TYPE IA; LPL DEFICIENCY. Identifiers: Orphanet 309015, Orphanet 444490, MedGen C0023817, MONDO:0009387, OMIM 238600. Disease mechanism: loss of function.
Cardiovascular phenotype. Identifiers: MedGen CN230736.

Allele frequency attached by ClinVar (database versions not stated): ESP Exome Variant Server 0.00038; gnomAD 0.00126 and 0.00133; TOPMed 0.00050.
gnomAD v4.1: 2,072 of 1,614,122 alleles (0.13%); highest among the groups gnomAD compares: Non-Finnish European, 0.12%; 4 homozygotes.

Submissions (9):

Labcorp Genetics (formerly Invitae), Labcorp
Classification: Benign. Last evaluated: 2026-01-26. Review status: criteria provided, single submitter. Criteria: Invitae Variant Classification Sherloc (09022015). Collection method: clinical testing. Allele origin: germline.

CeGaT Center for Human Genetics Tuebingen
Classification: Likely benign. Last evaluated: 2025-09-01. Review status: criteria provided, single submitter. Criteria: CeGaT Center For Human Genetics Tuebingen Variant Classification Criteria Version 2. Collection method: clinical testing. Allele origin: germline. Affected: yes. Observed: 1 variant allele.
Comment: LPL: BS1

Women's Health and Genetics/Laboratory Corporation of America, LabCorp
Classification: Likely benign. Last evaluated: 2025-08-18. Review status: criteria provided, single submitter. Criteria: LabCorp Variant Classification Summary - May 2015. Collection method: clinical testing. Allele origin: germline.
Comment: Variant summary: LPL c.1136C>T (p.Thr379Ile) results in a non-conservative amino acid change in the encoded protein sequence. Algorithms developed to predict the effect of missense changes on protein structure and function are either unavailable or do not agree on the potential impact of this missense change. The variant allele was found at a frequency of 0.0017 in 251148 control chromosomes, predominantly at a frequency of 0.0085 within the Finnish subpopulation in the gnomAD database, including 2 homozygotes. The observed variant frequency within Finnish control individuals in the gnomAD database is approximately 2.53 fold of the estimated maximal expected allele frequency for a pathogenic variant in LPL causing Familial Lipoprotein Lipase Deficiency phenotype (0.0034). ClinVar contains an entry for this variant (Variation ID: 495742). Based on the evidence outlined above, the variant was classified as likely benign.

Blueprint Genetics
Classification: Likely benign. Last evaluated: 2024-09-04. Review status: criteria provided, single submitter. Criteria: ACMG Guidelines, 2015. Collection method: clinical testing. Allele origin: germline.

Ambry Genetics
Classification: Likely benign for Cardiovascular phenotype. Last evaluated: 2022-08-08. Review status: criteria provided, single submitter. Criteria: Ambry Variant Classification Scheme 2023. Collection method: clinical testing. Allele origin: germline.

GeneDx
Classification: Benign. Last evaluated: 2021-06-21. Review status: criteria provided, single submitter. Criteria: GeneDx Variant Classification Process June 2021. Collection method: clinical testing. Allele origin: germline. Affected: yes.
Comment: This variant is associated with the following publications: (PMID: 27055971, 8843465)

Illumina Laboratory Services, Illumina
Classification: Uncertain significance for Hyperlipoproteinemia, type I. Last evaluated: 2017-04-27. Review status: criteria provided, single submitter. Criteria: ICSL Variant Classification Criteria 13 December 2019. Collection method: clinical testing. Allele origin: germline.
Comment: This variant was observed as part of a predisposition screen in an ostensibly healthy population. A literature search was performed for the gene, cDNA change, and amino acid change (where applicable). Publications were found based on this search. However, the evidence from the literature, in combination with allele frequency data from public databases where available, was not sufficient to rule this variant in or out of causing disease. Therefore, this variant is classified as a variant of unknown significance.

PreventionGenetics, part of Exact Sciences
Classification: Likely benign for LPL-related condition. Last evaluated: 2020-10-21. Review status: no assertion criteria provided. Collection method: clinical testing. Allele origin: germline. Not counted in ClinVar's aggregate classification.
Comment: This variant is classified as likely benign based on ACMG/AMP sequence variant interpretation guidelines (Richards et al. 2015 PMID: 25741868, with internal and published modifications).

Natera, Inc.
Classification: Likely benign for Lipoprotein lipase deficiency. Last evaluated: 2020-01-23. Review status: no assertion criteria provided. Collection method: clinical testing. Allele origin: germline. Not counted in ClinVar's aggregate classification.

Literature cited by the submitters: PubMed 22239554 (cited by 3 submitters); PubMed 21159338 (cited by Ambry Genetics); PubMed 24497850 (cited by Ambry Genetics); PubMed 27055971 (cited by Ambry Genetics); PubMed 8843465 (cited by Ambry Genetics and Illumina Laboratory Services, Illumina).

NM_000237.3(LPL):c.1136C>T (p.Thr379Ile)

Gene: LPL (lipoprotein lipase; plus strand). Cytogenetic location: 8p21.3.
Variant type: single nucleotide variant.
Coding change: c.1136C>T on transcript NM_000237.3 (MANE Select); coding-DNA position 1136, C replaced by T.
Protein change: p.Thr379Ile; replaces threonine 379 with isoleucine.
Molecular consequence: missense variant.
Genome position (GRCh38, 1-based): chr8:19,959,377, C>T. VCF-style: chr8-19959377-C-T. GRCh37 (hg19) VCF-style: chr8-19816888-C-T.
Other names: short protein forms T379I.
Identifiers: ClinVar variation 495742 (VCV000495742.32), dbSNP rs76708715, ClinGen allele CA4655619.